The following is an entry in ClinVar:

ClinVar aggregate classification (germline): Uncertain significance. Review status: criteria provided, multiple submitters, no conflicts (2 of 4 stars). 3 submissions from 3 submitters: Uncertain significance (3). Last evaluated 2025-10-22.

Conditions:
RPGRIP1L-related disorder. Also called: RPGRIP1L-related disorders; RPGRIP1L-related condition. Identifiers: MedGen CN239416.
Joubert syndrome. Also called: Familial aplasia of the vermis; JOUBERT-BOLTSHAUSER SYNDROME. Identifiers: Orphanet 475, MedGen C5979921, MONDO:0018772.
Meckel-Gruber syndrome. Also called: DYSENCEPHALIA SPLANCHNOCYSTICA; GRUBER SYNDROME; Dysencephalia splachnocystica. Identifiers: Orphanet 564, MedGen C0265215, MONDO:0018921.
Inborn genetic diseases. Identifiers: MedGen C0950123, MeSH D030342.

Allele frequency attached by ClinVar (database versions not stated): gnomAD exomes below 0.00001; TOPMed below 0.00001; gnomAD 0.00001.
gnomAD v4.1: 2 of 1,607,258 alleles (0.00012%); highest among the groups gnomAD compares: African/African-American, 0.0027%; no homozygotes.

Submissions (3):

Labcorp Genetics (formerly Invitae), Labcorp
Classification: Uncertain significance for Joubert syndrome; Meckel-Gruber syndrome. Last evaluated: 2025-10-22. Review status: criteria provided, single submitter. Criteria: Invitae Variant Classification Sherloc (09022015). Collection method: clinical testing. Allele origin: germline.
Comment: This sequence change replaces valine, which is neutral and non-polar, with alanine, which is neutral and non-polar, at codon 1030 of the RPGRIP1L protein (p.Val1030Ala). This variant is not present in population databases (gnomAD no frequency). This variant has not been reported in the literature in individuals affected with RPGRIP1L-related conditions. ClinVar contains an entry for this variant (Variation ID: 1044001). Invitae Evidence Modeling of protein sequence and biophysical properties (such as structural, functional, and spatial information, amino acid conservation, physicochemical variation, residue mobility, and thermodynamic stability) indicates that this missense variant is not expected to disrupt RPGRIP1L protein function with a negative predictive value of 80%. In summary, the available evidence is currently insufficient to determine the role of this variant in disease. Therefore, it has been classified as a Variant of Uncertain Significance.

PreventionGenetics, part of Exact Sciences
Classification: Uncertain significance for RPGRIP1L-related condition. Last evaluated: 2025-09-03. Review status: criteria provided, single submitter. Criteria: ACMG Guidelines, 2015. Collection method: clinical testing. Allele origin: germline.
Comment: The RPGRIP1L c.3089T>C variant is predicted to result in the amino acid substitution p.Val1030Ala. To our knowledge, this variant has not been reported in the literature or in a large population database (gnomAD), indicating this variant is rare. At this time, the clinical significance of this variant is uncertain due to the absence of conclusive functional and genetic evidence.

Ambry Genetics
Classification: Uncertain significance for Inborn genetic diseases. Last evaluated: 2025-04-17. Review status: criteria provided, single submitter. Criteria: Ambry Variant Classification Scheme 2023. Collection method: clinical testing. Allele origin: germline.

NM_015272.5(RPGRIP1L):c.3089T>C (p.Val1030Ala)

Gene: RPGRIP1L (RPGRIP1 like; minus strand). Cytogenetic location: 16q12.2.
Variant type: single nucleotide variant.
Coding change: c.3089T>C on transcript NM_015272.5 (MANE Select); coding-DNA position 3089, T replaced by C.
Protein change: p.Val1030Ala; replaces valine 1030 with alanine.
Molecular consequence: missense variant.
Genome position (GRCh38, 1-based): chr16:53,637,826, A>G on the plus strand (T>C on the coding strand, the complement: RPGRIP1L is on the minus strand). VCF-style: chr16-53637826-A-G. GRCh37 (hg19) VCF-style: chr16-53671738-A-G.
Other names: c.2987T>C, p.Val996Ala (NM_001127897.4, NM_001330538.2); c.3089T>C, p.Val1030Ala (NM_001308334.3); c.3089T>C (NM_015272.4, NM_015272.2); short protein forms V1030A, V996A.
Identifiers: ClinVar variation 1044001 (VCV001044001.5), dbSNP rs1965937862, ClinGen allele CA395926413.
Genomic context (GRCh38, chr16:53,637,826, plus strand): 5'-CCTTCAGATAGTAAAGACACATCATCTTTTCCTTGCTGCATTTTCTCAGTATTCTCTTTT[A>G]CCTCATCTACACTGCCTTCTTGTGAAACCTGAAGAAATCAAAGCACACTGGTATATTTAT-3'
Protein context (NP_056087.2, residues 1020-1040): KVSQEGSVDE[Val1030Ala]KENTEKMQQG